The following is an entry in ClinVar:

NM_001286577.2(C2CD3):c.3434G>A (p.Arg1145His)

Gene: C2CD3 (C2 domain containing 3 centriole elongation regulator; minus strand). Cytogenetic location: 11q13.4.
Variant type: single nucleotide variant.
Coding change: c.3434G>A on transcript NM_001286577.2 (MANE Select); coding-DNA position 3434, G replaced by A.
Protein change: p.Arg1145His; replaces arginine 1145 with histidine.
Molecular consequence: missense variant.
Genome position (GRCh38, 1-based): chr11:74,092,499, C>T on the plus strand (G>A on the coding strand, the complement: C2CD3 is on the minus strand). VCF-style: chr11-74092499-C-T. GRCh37 (hg19) VCF-style: chr11-73803544-C-T.
Other names: c.3434G>A, p.Arg1145His (NM_015531.6); c.3434G>A (NM_015531.4); short protein forms R1145H.
Identifiers: ClinVar variation 1435242 (VCV001435242.7), dbSNP rs779085623, ClinGen allele CA6182394.
Genomic context (GRCh38, chr11:74,092,499, plus strand): 5'-TTCCTGTTCTCAATCCTGGGGGTTAAAGGGAGATTAAAGGTCTGTATTCCCACATCCTCA[C>T]GATGCTGGGTGGTTACCATAGCACAGATCCTTGATAATGGCAAGGTTCCTTTGGCGACCT-3'
Protein context (NP_001273506.1, residues 1135-1155): RICAMVTTQH[Arg1145His]EDVGIQTFNL

ClinVar aggregate classification (germline): Uncertain significance. Review status: criteria provided, multiple submitters, no conflicts (2 of 4 stars). 4 submissions from 4 submitters: Uncertain significance (4). Last evaluated 2025-03-11.

Conditions:
Inborn genetic diseases. Identifiers: MedGen C0950123, MeSH D030342.

gnomAD v4.1: 123 of 1,613,424 alleles (0.0076%); highest among the groups gnomAD compares: Non-Finnish European, 0.0089%; no homozygotes.

Submissions (4):

Women's Health and Genetics/Laboratory Corporation of America, LabCorp
Classification: Uncertain significance. Last evaluated: 2025-03-11. Review status: criteria provided, single submitter. Criteria: LabCorp Variant Classification Summary - May 2015. Collection method: clinical testing. Allele origin: germline.
Comment: Variant summary: C2CD3 c.3434G>A (p.Arg1145His) results in a non-conservative amino acid change in the encoded protein sequence. Four of five in-silico tools predict a benign effect of the variant on protein function. The variant allele was found at a frequency of 8.4e-05 in 251220 control chromosomes. This frequency is not significantly higher than estimated for a pathogenic variant in C2CD3 causing Orofaciodigital Syndrome Type 14, allowing no conclusion about variant significance. To our knowledge, no occurrence of c.3434G>A in individuals affected with Orofaciodigital Syndrome Type 14 and no experimental evidence demonstrating its impact on protein function have been reported. ClinVar contains an entry for this variant (Variation ID: 1435242). Based on the evidence outlined above, the variant was classified as uncertain significance.

Labcorp Genetics (formerly Invitae), Labcorp
Classification: Uncertain significance. Last evaluated: 2024-07-14. Review status: criteria provided, single submitter. Criteria: Invitae Variant Classification Sherloc (09022015). Collection method: clinical testing. Allele origin: germline.
Comment: This sequence change replaces arginine, which is basic and polar, with histidine, which is basic and polar, at codon 1145 of the C2CD3 protein (p.Arg1145His). This variant is present in population databases (rs779085623, gnomAD 0.02%). This variant has not been reported in the literature in individuals affected with C2CD3-related conditions. ClinVar contains an entry for this variant (Variation ID: 1435242). Advanced modeling of protein sequence and biophysical properties (such as structural, functional, and spatial information, amino acid conservation, physicochemical variation, residue mobility, and thermodynamic stability) performed at Invitae indicates that this missense variant is not expected to disrupt C2CD3 protein function with a negative predictive value of 80%. In summary, the available evidence is currently insufficient to determine the role of this variant in disease. Therefore, it has been classified as a Variant of Uncertain Significance.

Ambry Genetics
Classification: Uncertain significance for Inborn genetic diseases. Last evaluated: 2022-02-03. Review status: criteria provided, single submitter. Criteria: Ambry Variant Classification Scheme 2023. Collection method: clinical testing. Allele origin: germline.

Breakthrough Genomics
Classification: Uncertain significance. Review status: criteria provided, single submitter. Criteria: ACMG Guidelines, 2015. Collection method: not provided. Allele origin: germline. Inheritance: Autosomal recessive inheritance. Affected: yes.